The following is an entry in ClinVar:

NM_030930.4(UNC93B1):c.190G>C (p.Val64Leu)

Genes: UNC93B1 (unc-93B1 regulator of TLR signaling; minus strand), LOC130006235 (ATAC-STARR-seq lymphoblastoid silent region 3653; plus strand). Cytogenetic location: 11q13.2.
Variant type: single nucleotide variant.
Coding change: c.190G>C on transcript NM_030930.4 (MANE Select); coding-DNA position 190, G replaced by C.
Protein change: p.Val64Leu; replaces valine 64 with leucine.
Molecular consequence: missense variant.
Genome position (GRCh38, 1-based): chr11:68,003,705, C>G on the plus strand (G>C on the coding strand, the complement: UNC93B1 is on the minus strand). VCF-style: chr11-68003705-C-G. GRCh37 (hg19) VCF-style: chr11-67771175-C-G.
Other names: short protein forms V64L.
Identifiers: ClinVar variation 1401927 (VCV001401927.9), dbSNP rs370865340, ClinGen allele CA381578938.

ClinVar aggregate classification (germline): Uncertain significance (1 of 4 stars; one submission).

Conditions:
Encephalopathy, acute, infection-induced (herpes-specific), susceptibility to, 1. Also called: Herpes simplex encephalitis, susceptibility to, 1. Identifiers: Orphanet 1930, MedGen C2750180, MONDO:0024563, OMIM 610551.

Allele frequency attached by ClinVar (database versions not stated): 1000 Genomes Project 30x 0.00016.

Submission:

Labcorp Genetics (formerly Invitae), Labcorp
Classification: Uncertain significance for Encephalopathy, acute, infection-induced (herpes-specific), susceptibility to, 1. Last evaluated: 2022-08-15. Review status: criteria provided, single submitter. Criteria: Invitae Variant Classification Sherloc (09022015). Collection method: clinical testing. Allele origin: germline.
Comment: In summary, the available evidence is currently insufficient to determine the role of this variant in disease. Therefore, it has been classified as a Variant of Uncertain Significance. Experimental studies and prediction algorithms are not available or were not evaluated, and the functional significance of this variant is currently unknown. ClinVar contains an entry for this variant (Variation ID: 1401927). This variant has not been reported in the literature in individuals affected with UNC93B1-related conditions. This variant is present in population databases (no rsID available, gnomAD 0.007%). This sequence change replaces valine, which is neutral and non-polar, with leucine, which is neutral and non-polar, at codon 64 of the UNC93B1 protein (p.Val64Leu).